The following is an entry in ClinVar:

NM_016034.5(MRPS2):c.230A>T (p.Glu77Val)

Gene: MRPS2 (mitochondrial ribosomal protein S2; plus strand). Cytogenetic location: 9q34.3.
Variant type: single nucleotide variant.
Coding change: c.230A>T on transcript NM_016034.5 (MANE Select); coding-DNA position 230, A replaced by T.
Protein change: p.Glu77Val; replaces glutamic acid 77 with valine.
Molecular consequence: missense variant. On other transcripts: non-coding transcript variant (4).
Genome position (GRCh38, 1-based): chr9:135,501,904, A>T. VCF-style: chr9-135501904-A-T. GRCh37 (hg19) VCF-style: chr9-138393750-A-T.
Other names: c.230A>T, p.Glu77Val (NM_001371401.1); short protein forms E77V.
Identifiers: ClinVar variation 4978078 (VCV004978078.1).

ClinVar aggregate classification (germline): Uncertain significance (1 of 4 stars; one submission).

Conditions:
MRPS2-related disorder. Also called: MRPS2-related condition.

Submission:

PreventionGenetics, part of Exact Sciences
Classification: Uncertain significance for MRPS2-related condition. Last evaluated: 2025-07-17. Review status: criteria provided, single submitter. Criteria: ACMG Guidelines, 2015. Collection method: clinical testing. Allele origin: germline.
Comment: The MRPS2 c.230A>T variant is predicted to result in the amino acid substitution p.Glu77Val. To our knowledge, this variant has not been reported in the literature. This variant is reported in 0.012% of alleles in individuals of African descent in gnomAD. At this time, the clinical significance of this variant is uncertain due to the absence of conclusive functional and genetic evidence.